The following is an entry in ClinVar:

ClinVar aggregate classification (germline): Pathogenic (1 of 4 stars; one submission).

Conditions:
Autosomal recessive nonsyndromic hearing loss 84A. Also called: DEAFNESS, AUTOSOMAL RECESSIVE 84A; DEAFNESS, AUTOSOMAL RECESSIVE 84A, WITH VESTIBULAR DYSFUNCTION. Identifiers: Orphanet 90636, MedGen C3150654, MONDO:0013249, OMIM 613391.

gnomAD v4.1: 14 of 1,549,686 alleles (0.0009%); highest among the groups gnomAD compares: Non-Finnish European, 0.0012%; no homozygotes.

Submission:

Victorian Clinical Genetics Services, Murdoch Childrens Research Institute
Classification: Pathogenic for Autosomal recessive nonsyndromic hearing loss 84A. Last evaluated: 2024-10-09. Review status: criteria provided, single submitter. Criteria: ACMG Guidelines, 2015. Collection method: clinical testing. Allele origin: germline. Inheritance: Autosomal recessive inheritance. Affected: yes.
Comment: Based on the classification scheme VCGS_Germline_v1.3.4, this variant is classified as Pathogenic. Following criteria are met: 0102 - Loss of function is a known mechanism of disease in this gene and is associated with autosomal recessive deafness 84A (MIM#613391). Dominant-negative is the postulated mechanism for autosomal dominant deafness 73 (MIM#617663) (PMID: 31655630). (I) 0108 - This gene is associated with both recessive and dominant disease. (I) 0115 - Variants in this gene are known to have variable expressivity. Intra-familial variability has been reported (PMID: 31655630). (I) 0201 - Variant is predicted to cause nonsense-mediated decay (NMD) and loss of protein (premature termination codon is located at least 54 nucleotides upstream of the final exon-exon junction). (SP) 0251 - This variant is heterozygous. (I) 0301 - Variant is absent from gnomAD (both v2 and v3). (SP) 0701 - Other NMD predicted variants comparable to the one identified in this case have very strong previous evidence for pathogenicity (DECIPHER, PMID: 25557914, 33478437). (SP) 0807 - This variant has no previous evidence of pathogenicity. (I) 0905 - No published segregation evidence has been identified for this variant. (I) 1007 - No published functional evidence has been identified for this variant. (I) 1208 - Inheritance information for this variant is not currently available in this individual. (I) Legend: (SP) - Supporting pathogenic, (I) - Information, (SB) - Supporting benign

Literature cited by the submitters: PubMed 25557914; PubMed 31655630; PubMed 33478437.

NM_001145026.2(PTPRQ):c.228G>A (p.Trp76Ter)

Gene: PTPRQ (protein tyrosine phosphatase receptor type Q; plus strand). Cytogenetic location: 12q21.31.
Variant type: single nucleotide variant.
Coding change: c.228G>A on transcript NM_001145026.2 (MANE Select); coding-DNA position 228, G replaced by A.
Protein change: p.Trp76Ter; replaces tryptophan 76 with a stop codon.
Molecular consequence: nonsense.
Genome position (GRCh38, 1-based): chr12:80,445,555, G>A. VCF-style: chr12-80445555-G-A. GRCh37 (hg19) VCF-style: chr12-80839335-G-A.
Other names: short protein forms W76*.
Identifiers: ClinVar variation 3377236 (VCV003377236.1).